The following is an entry in ClinVar:

ClinVar aggregate classification (germline): Uncertain significance. Review status: criteria provided, multiple submitters, no conflicts (2 of 4 stars). 2 submissions from 2 submitters: Uncertain significance (2). Last evaluated 2024-05-24.

Conditions:
Inborn genetic diseases. Identifiers: MedGen C0950123, MeSH D030342.

Allele frequency attached by ClinVar (database versions not stated): TOPMed 0.00002; ExAC 0.00003; gnomAD exomes 0.00003; gnomAD 0.00004.

Submissions (2):

GeneDx
Classification: Uncertain significance. Last evaluated: 2024-05-24. Review status: criteria provided, single submitter. Criteria: GeneDx Variant Classification Process June 2021. Collection method: clinical testing. Allele origin: germline. Affected: yes.
Comment: In silico analysis supports that this missense variant has a deleterious effect on protein structure/function; Has not been previously published as pathogenic or benign to our knowledge

Ambry Genetics
Classification: Uncertain significance for Inborn genetic diseases. Last evaluated: 2023-09-12. Review status: criteria provided, single submitter. Criteria: Ambry Variant Classification Scheme 2023. Collection method: clinical testing. Allele origin: germline.

NM_000110.4(DPYD):c.2848G>A (p.Glu950Lys)

Gene: DPYD (dihydropyrimidine dehydrogenase; minus strand). Cytogenetic location: 1p21.3.
Variant type: single nucleotide variant.
Coding change: c.2848G>A on transcript NM_000110.4 (MANE Select); coding-DNA position 2848, G replaced by A.
Protein change: p.Glu950Lys; replaces glutamic acid 950 with lysine.
Molecular consequence: missense variant.
Genome position (GRCh38, 1-based): chr1:97,082,389, C>T on the plus strand (G>A on the coding strand, the complement: DPYD is on the minus strand). VCF-style: chr1-97082389-C-T. GRCh37 (hg19) VCF-style: chr1-97547945-C-T.
Other names: short protein forms E950K.
Identifiers: ClinVar variation 2622839 (VCV002622839.3), dbSNP rs763862486, ClinGen allele CA962917.